The following is an entry in ClinVar:

ClinVar aggregate classification (germline): Likely benign (1 of 4 stars; one submission).

Allele frequency attached by ClinVar (database versions not stated): ESP Exome Variant Server 0.00008; gnomAD 0.00013; 1000 Genomes Project 30x 0.00016; ExAC 0.00017; 1000 Genomes Project 0.00020; TOPMed 0.00029.
gnomAD v4.1: 310 of 1,612,384 alleles (0.019%); highest among the groups gnomAD compares: Middle Eastern, 0.35%; 2 homozygotes.

Submission:

CeGaT Center for Human Genetics Tuebingen
Classification: Likely benign. Last evaluated: 2022-03-01. Review status: criteria provided, single submitter. Criteria: CeGaT Center For Human Genetics Tuebingen Variant Classification Criteria Version 2. Collection method: clinical testing. Allele origin: germline. Affected: yes. Observed: 1 variant allele.
Comment: ELOB: BP4, BP7

NM_007108.4(ELOB):c.288G>A (p.Pro96=)

Gene: ELOB (elongin B; minus strand). Cytogenetic location: 16p13.3.
Variant type: single nucleotide variant.
Coding change: c.288G>A on transcript NM_007108.4 (MANE Select); coding-DNA position 288, G replaced by A.
Protein change: p.Pro96=; no amino-acid change (proline 96 retained).
Molecular consequence: synonymous variant.
Genome position (GRCh38, 1-based): chr16:2,772,059, C>T on the plus strand (G>A on the coding strand, the complement: ELOB is on the minus strand). VCF-style: chr16-2772059-C-T. GRCh37 (hg19) VCF-style: chr16-2822060-C-T.
Other names: c.288G>A, p.Pro96= (NM_207013.3).
Identifiers: ClinVar variation 2646084 (VCV002646084.24), dbSNP rs371338420, ClinGen allele CA7849808.